The following is an entry in ClinVar:

NM_018117.12(WDR11):c.8C>T (p.Pro3Leu)

Gene: WDR11 (WD repeat domain 11; plus strand). Cytogenetic location: 10q26.12.
Variant type: single nucleotide variant.
Coding change: c.8C>T on transcript NM_018117.12 (MANE Select); coding-DNA position 8, C replaced by T.
Protein change: p.Pro3Leu; replaces proline 3 with leucine.
Molecular consequence: missense variant.
Genome position (GRCh38, 1-based): chr10:120,851,428, C>T. VCF-style: chr10-120851428-C-T. GRCh37 (hg19) VCF-style: chr10-122610940-C-T.
Other names: short protein forms P3L.
Identifiers: ClinVar variation 2635621 (VCV002635621.1), dbSNP rs2493226251, ClinGen allele CA378313952.

ClinVar aggregate classification (germline): Uncertain significance (1 of 4 stars; one submission).

Conditions:
WDR11-related disorder. Also called: WDR11-related condition.

Submission:

PreventionGenetics, part of Exact Sciences
Classification: Uncertain significance for WDR11-related condition. Last evaluated: 2022-10-27. Review status: criteria provided, single submitter. Criteria: ACMG Guidelines, 2015. Collection method: clinical testing. Allele origin: germline.
Comment: The WDR11 c.8C>T variant is predicted to result in the amino acid substitution p.Pro3Leu. To our knowledge, this variant has not been reported in the literature or in a large population database, indicating this variant is rare. At this time, the clinical significance of this variant is uncertain due to the absence of conclusive functional and genetic evidence.